The following is an entry in ClinVar:

NM_000170.3(GLDC):c.390G>A (p.Trp130Ter)

Gene: GLDC (glycine decarboxylase; minus strand). Cytogenetic location: 9p24.1.
Variant type: single nucleotide variant.
Coding change: c.390G>A on transcript NM_000170.3 (MANE Select); coding-DNA position 390, G replaced by A.
Protein change: p.Trp130Ter; replaces tryptophan 130 with a stop codon.
Molecular consequence: nonsense.
Genome position (GRCh38, 1-based): chr9:6,620,264, C>T on the plus strand (G>A on the coding strand, the complement: GLDC is on the minus strand). VCF-style: chr9-6620264-C-T. GRCh37 (hg19) VCF-style: chr9-6620264-C-T.
Other names: short protein forms W130*.
Identifiers: ClinVar variation 5015805 (VCV005015805.1).

ClinVar aggregate classification (germline): Pathogenic (1 of 4 stars; one submission).

Conditions:
Glycine encephalopathy 1 (GCE1). Identifiers: MedGen CN376801, MONDO:0958179, OMIM 605899.

Submission:

Myriad Genetics, Inc.
Classification: Pathogenic for Glycine encephalopathy 1. Last evaluated: 2026-04-16. Review status: criteria provided, single submitter. Criteria: Myriad Autosomal Dominant, Autosomal Recessive and X-Linked Classification Criteria (2023). Collection method: clinical testing. Allele origin: unknown.
Comment: NM_000170.2(GLDC):c.390G>A(W130*) is expected to be pathogenic in the context of glycine encephalopathy, GLDC-related. This variant is predicted to lead to an abnormal or absent protein product due to the creation of a premature termination codon in GLDC, a gene where loss-of-function variants are known to be pathogenic. Please note: this variant was assessed in the context of healthy population screening.